The following is an entry in ClinVar:

ClinVar aggregate classification (germline): Pathogenic (1 of 4 stars; one submission).

Conditions:
DYRK1A-related intellectual disability syndrome (MRD7). Also called: DYRK1A Syndrome; Intellectual developmental disorder, autosomal dominant 7. Identifiers: Orphanet 464306, MedGen C5568143, MONDO:0013578, OMIM 614104.

Submission:

Labcorp Genetics (formerly Invitae), Labcorp
Classification: Pathogenic for DYRK1A-related intellectual disability syndrome. Last evaluated: 2023-08-30. Review status: criteria provided, single submitter. Criteria: Invitae Variant Classification Sherloc (09022015). Collection method: clinical testing. Allele origin: germline.
Comment: This variant has not been reported in the literature in individuals affected with DYRK1A-related conditions. For these reasons, this variant has been classified as Pathogenic. This variant is not present in population databases (gnomAD no frequency). This sequence change creates a premature translational stop signal (p.Lys218*) in the DYRK1A gene. It is expected to result in an absent or disrupted protein product. Loss-of-function variants in DYRK1A are known to be pathogenic (PMID: 25944381).

Literature cited by the submitters: PubMed 25944381.

NM_001347721.2(DYRK1A):c.625A>T (p.Lys209Ter)

Gene: DYRK1A (dual specificity tyrosine phosphorylation regulated kinase 1A; plus strand). Cytogenetic location: 21q22.13.
Variant type: single nucleotide variant.
Coding change: c.625A>T on transcript NM_001347721.2 (MANE Select); coding-DNA position 625, A replaced by T.
Protein change: p.Lys209Ter; replaces lysine 209 with a stop codon.
Molecular consequence: nonsense.
Genome position (GRCh38, 1-based): chr21:37,486,602, A>T. VCF-style: chr21-37486602-A-T. GRCh37 (hg19) VCF-style: chr21-38858904-A-T.
Other names: c.625A>T, p.Lys209Ter (NM_001347722.2, NM_130436.2); c.538A>T, p.Lys180Ter (NM_001347723.2); c.652A>T, p.Lys218Ter (NM_001396.5, NM_101395.2, NM_130438.2); short protein forms K180*, K218*, K209*.
Identifiers: ClinVar variation 2832898 (VCV002832898.3), dbSNP rs1555982699, ClinGen allele CA409946147.